The following is an entry in ClinVar:

ClinVar aggregate classification (germline): Uncertain significance (1 of 4 stars; one submission).

Conditions:
Hereditary cancer-predisposing syndrome. Also called: Tumor predisposition; Hereditary neoplastic syndrome; Hereditary Cancer Syndrome; Neoplastic Syndromes, Hereditary. Identifiers: Orphanet 140162, MedGen C0027672, MeSH D009386, MONDO:0015356.

Submission:

Ambry Genetics
Classification: Uncertain significance for Hereditary cancer-predisposing syndrome. Last evaluated: 2025-05-27. Review status: criteria provided, single submitter. Criteria: Ambry Variant Classification Scheme 2023. Collection method: clinical testing. Allele origin: germline.
Comment: The p.L231Q variant (also known as c.692T>A), located in coding exon 6 of the SMARCB1 gene, results from a T to A substitution at nucleotide position 692. The leucine at codon 231 is replaced by glutamine, an amino acid with dissimilar properties. This amino acid position is highly conserved in available vertebrate species. In addition, this alteration is predicted to be deleterious by in silico analysis. Based on the available evidence, the clinical significance of this variant remains unclear.

NM_003073.5(SMARCB1):c.692T>A (p.Leu231Gln)

Gene: SMARCB1 (SWI/SNF related BAF chromatin remodeling complex subunit B1; plus strand). Cytogenetic location: 22q11.23.
Variant type: single nucleotide variant.
Coding change: c.692T>A on transcript NM_003073.5 (MANE Select); coding-DNA position 692, T replaced by A.
Protein change: p.Leu231Gln; replaces leucine 231 with glutamine.
Molecular consequence: missense variant.
Genome position (GRCh38, 1-based): chr22:23,816,833, T>A. VCF-style: chr22-23816833-T-A. GRCh37 (hg19) VCF-style: chr22-24159020-T-A.
Other names: c.665T>A, p.Leu222Gln (NM_001007468.3); c.719T>A, p.Leu240Gln (NM_001317946.2); c.746T>A, p.Leu249Gln (NM_001362877.2); short protein forms L222Q, L231Q, L249Q, L240Q.
Identifiers: ClinVar variation 3958530 (VCV003958530.1).
Genomic context (GRCh38, chr22:23,816,833, plus strand): 5'-AGTTGATGACGCCTGAGATGTTTTCAGAAATCCTCTGTGACGATCTGGATTTGAACCCGC[T>A]GACGTTTGTGCCAGCCATCGCCTCTGCCATCAGACAGCAGATCGAGTCCTACCCCACGGA-3'
Protein context (NP_003064.2, residues 221-241): ILCDDLDLNP[Leu231Gln]TFVPAIASAI